The following is an entry in ClinVar:

Conditions:
Long QT syndrome 5 (LQT5). Identifiers: Orphanet 101016, Orphanet 768, MedGen C1867904, MONDO:0013372, OMIM 613695.

Submission:

Roden Lab, Vanderbilt University Medical Center
No classification provided (evidence only). Condition: Long QT syndrome 5. Review status: no classification provided. Collection method: in vitro. Allele origin: not applicable. Functional consequence: Effect on ion channel function.
ClinVar note: "not provided" was previously submitted as the classification for the variant. However, the classification appeared to be based only on an observation of functional data so it was converted to no classification on 2025-07-30.

NM_000219.6(KCNE1):c.6C>T (p.Ile2=)

Gene: KCNE1 (potassium voltage-gated channel subfamily E regulatory subunit 1; minus strand). Cytogenetic location: 21q22.12.
Variant type: single nucleotide variant.
Coding change: c.6C>T on transcript NM_000219.6 (MANE Select); coding-DNA position 6, C replaced by T.
Protein change: p.Ile2=; no amino-acid change (isoleucine 2 retained).
Molecular consequence: synonymous variant.
Genome position (GRCh38, 1-based): chr21:34,449,629, G>A on the plus strand (C>T on the coding strand, the complement: KCNE1 is on the minus strand). VCF-style: chr21-34449629-G-A. GRCh37 (hg19) VCF-style: chr21-35821927-G-A.
Other names: c.6C>T, p.Ile2= (NM_001127668.4, NM_001127669.4, NM_001127670.4 and 4 more transcripts).
Identifiers: ClinVar variation 3373941 (VCV003373941.2).